The following is an entry in ClinVar:

ClinVar aggregate classification (germline): Conflicting classifications of pathogenicity. Review status: criteria provided, conflicting classifications (1 of 4 stars). 21 submissions from 17 submitters: Uncertain significance (3); Benign (7); Likely benign (6). 5 of the submissions do not count toward it. Last evaluated 2026-08-01.

Conditions:
Dilated cardiomyopathy 1G (CMD1G). Identifiers: Orphanet 154, MedGen C1858763, MONDO:0011400, OMIM 604145.
Autosomal recessive limb-girdle muscular dystrophy type 2J (LGMDR10). Also called: MUSCULAR DYSTROPHY, LIMB-GIRDLE, AUTOSOMAL RECESSIVE 10; Limb-girdle muscular dystrophy, type 2J. Identifiers: Orphanet 140922, MedGen C1837342, MONDO:0012127, OMIM 608807.
Cardiovascular phenotype. Identifiers: MedGen CN230736.
Cardiomyopathy (CMYO). Also called: Cardiomyopathies. Identifiers: Orphanet 167848, MedGen C0878544, MONDO:0004994, HP:0001638. Inheritance: Various modes of inheritance.
Early-onset myopathy with fatal cardiomyopathy (CMYO5). Also called: CONGENITAL MYOPATHY 5 WITH CARDIOMYOPATHY; Salih Myopathy. Identifiers: Orphanet 289377, MedGen C2673677, MONDO:0012714, OMIM 611705. Disease mechanism: loss of function.
Myopathy, myofibrillar, 9, with early respiratory failure (MFM9). Also called: Myopathy, distal, with early respiratory failure, autosomal dominant; Hereditary myopathy with early respiratory failure; MYOPATHY, PROXIMAL, WITH EARLY RESPIRATORY MUSCLE INVOLVEMENT; EDSTROM MYOPATHY. Identifiers: Orphanet 178464, Orphanet 34521, MedGen C1863599, MONDO:0011362, OMIM 603689.
Tibial muscular dystrophy (TMD). Also called: Udd Distal Myopathy – Tibial Muscular Dystrophy; Tibial muscular dystrophy, tardive; UDD MYOPATHY. Identifiers: Orphanet 609, MedGen C1838244, MONDO:0010870, OMIM 600334.

Allele frequency attached by ClinVar (database versions not stated): ESP Exome Variant Server 0.00066; gnomAD 0.00058 and 0.00063; ExAC 0.00046; TOPMed 0.00053; gnomAD exomes 0.00079 and 0.00044.
gnomAD v4.1: 1,245 of 1,612,862 alleles (0.077%); highest among the groups gnomAD compares: Non-Finnish European, 0.095%; 2 homozygotes.

Submissions (21):

CeGaT Center for Human Genetics Tuebingen
Classification: Likely benign. Last evaluated: 2026-08-01. Review status: criteria provided, single submitter. Criteria: CeGaT Center For Human Genetics Tuebingen Variant Classification Criteria Version 2. Collection method: clinical testing. Allele origin: germline. Affected: yes. Observed: 10 variant alleles.
Comment: TTN: BP4, BP7

Labcorp Genetics (formerly Invitae), Labcorp
Classification: Likely benign for Dilated cardiomyopathy 1G; Autosomal recessive limb-girdle muscular dystrophy type 2J. Last evaluated: 2026-02-01. Review status: criteria provided, single submitter. Criteria: Invitae Variant Classification Sherloc (09022015). Collection method: clinical testing. Allele origin: germline.

Molecular Diagnostic Laboratory for Inherited Cardiovascular Disease, Montreal Heart Institute
Classification: Benign. Last evaluated: 2025-04-09. Review status: criteria provided, single submitter. Criteria: ACMG Guidelines, 2015. Collection method: clinical testing. Allele origin: germline. Affected: no.

Blueprint Genetics
Classification: Likely benign. Last evaluated: 2024-11-22. Review status: criteria provided, single submitter. Criteria: ACMG Guidelines, 2015. Collection method: clinical testing. Allele origin: germline.

Women's Health and Genetics/Laboratory Corporation of America, LabCorp
Classification: Benign. Last evaluated: 2020-12-28. Review status: criteria provided, single submitter. Criteria: LabCorp Variant Classification Summary - May 2015. Collection method: clinical testing. Allele origin: germline.

Athena Diagnostics
Classification: Benign. Last evaluated: 2019-07-10. Review status: criteria provided, single submitter. Criteria: Athena Diagnostics Criteria. Collection method: clinical testing. Allele origin: germline.

Illumina Laboratory Services, Illumina
Classification: Uncertain significance for Autosomal recessive limb-girdle muscular dystrophy type 2J. Last evaluated: 2018-01-13. Review status: criteria provided, single submitter. Criteria: ICSL Variant Classification Criteria 13 December 2019. Collection method: clinical testing. Allele origin: germline.

Illumina Laboratory Services, Illumina
Classification: Benign for Myopathy, myofibrillar, 9, with early respiratory failure. Last evaluated: 2018-01-13. Review status: criteria provided, single submitter. Criteria: ICSL Variant Classification Criteria 13 December 2019. Collection method: clinical testing. Allele origin: germline.
Comment: This variant was observed in the ICSL laboratory as part of a predisposition screen in an ostensibly healthy population. It had not been previously curated by ICSL or reported in the Human Gene Mutation Database (HGMD: prior to June 1st, 2018), and was therefore a candidate for classification through an automated scoring system. Utilizing variant allele frequency, disease prevalence and penetrance estimates, and inheritance mode, an automated score was calculated to assess if this variant is too frequent to cause the disease. Based on the score and internal cut-off values, a variant classified as benign is not then subjected to further curation. The score for this variant resulted in a classification of benign for this disease.

Illumina Laboratory Services, Illumina
Classification: Uncertain significance for Early-onset myopathy with fatal cardiomyopathy. Last evaluated: 2018-01-13. Review status: criteria provided, single submitter. Criteria: ICSL Variant Classification Criteria 13 December 2019. Collection method: clinical testing. Allele origin: germline.

Illumina Laboratory Services, Illumina
Classification: Benign for Tibial muscular dystrophy. Last evaluated: 2018-01-13. Review status: criteria provided, single submitter. Criteria: ICSL Variant Classification Criteria 13 December 2019. Collection method: clinical testing. Allele origin: germline.
Comment: the same text as in the submission from Illumina Laboratory Services, Illumina above.

Illumina Laboratory Services, Illumina
Classification: Uncertain significance for Dilated cardiomyopathy 1G. Last evaluated: 2018-01-13. Review status: criteria provided, single submitter. Criteria: ICSL Variant Classification Criteria 13 December 2019. Collection method: clinical testing. Allele origin: germline.

CHEO Genetics Diagnostic Laboratory, Children's Hospital of Eastern Ontario
Classification: Benign for Cardiomyopathy. Last evaluated: 2017-11-14. Review status: criteria provided, single submitter. Criteria: ACMG Guidelines, 2015. Collection method: clinical testing. Allele origin: germline.

Eurofins Ntd Llc (ga)
Classification: Likely benign. Last evaluated: 2016-08-22. Review status: criteria provided, single submitter. Criteria: EGL Classification Definitions 2015. Collection method: clinical testing. Allele origin: germline. Observed: 5 variant alleles, 5 heterozygotes.

GeneDx
Classification: Benign. Last evaluated: 2014-06-17. Review status: criteria provided, single submitter. Criteria: GeneDx Variant Classification (06012015). Collection method: clinical testing. Allele origin: germline. Affected: yes.
Comment: This variant is considered likely benign or benign based on one or more of the following criteria: it is a conservative change, it occurs at a poorly conserved position in the protein, it is predicted to be benign by multiple in silico algorithms, and/or has population frequency not consistent with disease.

Ambry Genetics
Classification: Likely benign for Cardiovascular phenotype. Last evaluated: 2013-05-27. Review status: criteria provided, single submitter. Criteria: Ambry Autosomal Dominant and X-Linked criteria (10/2015). Collection method: clinical testing. Allele origin: germline. Observed: 1 variant allele.

Laboratory for Molecular Medicine, Mass General Brigham Personalized Medicine
Classification: Likely benign. Last evaluated: 2012-05-22. Review status: criteria provided, single submitter. Criteria: LMM Criteria. Collection method: clinical testing. Allele origin: germline. Observed: 6 variant alleles.
Comment: Gly18227Gly in exon 253 of TTN: This variant is not expected to have clinical si gnificance because it does not alter an amino acid residue and is not located wi thin the splice consensus sequence. It has been identified in 0.1% (8/6680) of E uropean American chromosomes from a broad population by the NHLBI Exome Sequenci ng Project (dbSNP rs72646848). Gly18227Gly in exon 253 of TTN (rs72646848; allele frequency = 0.1%, 8/6680) **

Clinical Genetics DNA and cytogenetics Diagnostics Lab, Erasmus MC, Erasmus Medical Center
Classification: Likely benign. Review status: no assertion criteria provided. Collection method: clinical testing. Allele origin: germline. Affected: yes. Study: VKGL Data-share Consensus. Not counted in ClinVar's aggregate classification.

Clinical Genetics, Academic Medical Center
Classification: Benign. Review status: no assertion criteria provided. Collection method: clinical testing. Allele origin: germline. Affected: yes. Study: VKGL Data-share Consensus. Not counted in ClinVar's aggregate classification.

Diagnostic Laboratory, Department of Genetics, University Medical Center Groningen
Classification: Likely benign. Review status: no assertion criteria provided. Collection method: clinical testing. Allele origin: germline. Affected: yes. Study: VKGL Data-share Consensus. Not counted in ClinVar's aggregate classification.

Genome Diagnostics Laboratory, University Medical Center Utrecht
Classification: Likely benign. Review status: no assertion criteria provided. Collection method: clinical testing. Allele origin: germline. Affected: yes. Study: VKGL Data-share Consensus. Not counted in ClinVar's aggregate classification.

Joint Genome Diagnostic Labs from Nijmegen and Maastricht, Radboudumc and MUMC+
Classification: Likely benign. Review status: no assertion criteria provided. Collection method: clinical testing. Allele origin: germline. Affected: yes. Study: VKGL Data-share Consensus. Not counted in ClinVar's aggregate classification.

NM_001267550.2(TTN):c.62385C>A (p.Gly20795=)

Genes: TTN (titin; minus strand), TTN-AS1 (TTN antisense RNA 1; plus strand). Cytogenetic location: 2q31.2.
Variant type: single nucleotide variant.
Coding change: c.62385C>A on transcript NM_001267550.2 (MANE Select); coding-DNA position 62385, C replaced by A.
Protein change: p.Gly20795=; no amino-acid change (glycine 20795 retained).
Molecular consequence: synonymous variant.
Genome position (GRCh38, 1-based): chr2:178,589,340, G>T on the plus strand (C>A on the coding strand, the complement: TTN is on the minus strand). VCF-style: chr2-178589340-G-T. GRCh37 (hg19) VCF-style: chr2-179454067-G-T.
Other names: p.G19154G:GGC>GGA; c.57462C>A, p.Gly19154= (NM_001256850.1); c.35190C>A, p.Gly11730= (NM_003319.4); c.54681C>A, p.Gly18227= (NM_133378.4); c.35565C>A, p.Gly11855= (NM_133432.3); c.35766C>A, p.Gly11922= (NM_133437.4).
Identifiers: ClinVar variation 47182 (VCV000047182.70), dbSNP rs72646848, ClinGen allele CA283565.